The following is an entry in ClinVar:

NM_000059.4(BRCA2):c.5590del (p.Asp1864fs)

Gene: BRCA2 (BRCA2 DNA repair associated; plus strand). Cytogenetic location: 13q13.1.
Variant type: Deletion.
Coding change: c.5590del on transcript NM_000059.4 (MANE Select); coding-DNA position 5590, one base deleted (G; older notation c.5590delG).
Protein change: p.Asp1864fs; shifts the reading frame from aspartic acid 1864.
Molecular consequence: frameshift variant. On other transcripts: non-coding transcript variant (1), intron variant (2).
Genome position (GRCh38, 1-based): chr13:32,339,945, G deleted. VCF-style (leftmost placement, unchanged base first): chr13-32339944-AG-A. GRCh37 (hg19) VCF-style: chr13-32914081-AG-A.
Other names: c.5590del, p.Asp1864fs (NM_001406719.1, NM_001406720.1, NM_001432077.1); c.1910-4613del (NM_001406721.1); c.425-4613del (NM_001406722.1); short protein forms D1864fs.
Identifiers: ClinVar variation 4215938 (VCV004215938.1).

ClinVar aggregate classification (germline): Pathogenic (1 of 4 stars; one submission).

Conditions:
Hereditary cancer-predisposing syndrome. Also called: Hereditary Cancer Syndrome; Hereditary neoplastic syndrome; Neoplastic Syndromes, Hereditary; Tumor predisposition. Identifiers: Orphanet 140162, MedGen C0027672, MeSH D009386, MONDO:0015356.

Submission:

Ambry Genetics
Classification: Pathogenic for Hereditary cancer-predisposing syndrome. Last evaluated: 2025-09-08. Review status: criteria provided, single submitter. Criteria: Ambry Variant Classification Scheme 2023. Collection method: clinical testing. Allele origin: germline.
Comment: The c.5590delG pathogenic mutation, located in coding exon 10 of the BRCA2 gene, results from a deletion of one nucleotide at nucleotide position 5590, causing a translational frameshift with a predicted alternate stop codon (p.D1864Tfs*10). This variant is considered to be rare based on population cohorts in the Genome Aggregation Database (gnomAD). This alteration is expected to result in loss of function by premature protein truncation or nonsense-mediated mRNA decay. As such, this alteration is interpreted as a disease-causing mutation.